The following is an entry in ClinVar:

ClinVar aggregate classification (germline): Likely benign. Review status: criteria provided, multiple submitters, no conflicts (2 of 4 stars). 5 submissions from 5 submitters: Likely benign (5). Last evaluated 2026-05-21.

Conditions:
Cardiovascular phenotype. Identifiers: MedGen CN230736.
Cardiomyopathy (CMYO). Also called: Cardiomyopathies. Identifiers: Orphanet 167848, MedGen C0878544, MONDO:0004994, HP:0001638. Inheritance: Various modes of inheritance.
Hypertrophic cardiomyopathy. Also called: HYPERTROPHIC MYOCARDIOPATHY. Identifiers: Orphanet 217569, MedGen C0007194, MeSH D002312, MONDO:0005045, HP:0001639.

Allele frequency attached by ClinVar (database versions not stated): TOPMed below 0.00001; gnomAD 0.00001.
gnomAD v4.1: 6 of 1,612,562 alleles (0.00037%); highest among the groups gnomAD compares: Non-Finnish European, 0.00051%; no homozygotes.

Submissions (5):

Ambry Genetics
Classification: Likely benign for Cardiovascular phenotype. Last evaluated: 2026-05-21. Review status: criteria provided, single submitter. Criteria: Ambry Variant Classification Scheme 2023. Collection method: clinical testing. Allele origin: germline.

Labcorp Genetics (formerly Invitae), Labcorp
Classification: Likely benign for Hypertrophic cardiomyopathy. Last evaluated: 2025-11-24. Review status: criteria provided, single submitter. Criteria: Invitae Variant Classification Sherloc (09022015). Collection method: clinical testing. Allele origin: germline.

All of Us Research Program, National Institutes of Health
Classification: Likely benign for Hypertrophic cardiomyopathy. Last evaluated: 2024-07-10. Review status: criteria provided, single submitter. Criteria: ACMG Guidelines, 2015. Collection method: clinical testing. Allele origin: germline. Inheritance: Autosomal dominant inheritance. Observed: 6 variant alleles, 6 heterozygotes.
Comment: This study involves interpretation of variants in research participants for the purpose of population health screening. Participant phenotype was not available at the time of variant classification. Additional details can be found in publication PMID: 35346344, PMCID: PMC8962531

Color Diagnostics, LLC DBA Color Health
Classification: Likely benign for Cardiomyopathy. Last evaluated: 2022-11-06. Review status: criteria provided, single submitter. Criteria: ACMG Guidelines, 2015. Collection method: clinical testing. Allele origin: germline.

Laboratory for Molecular Medicine, Mass General Brigham Personalized Medicine
Classification: Likely benign. Last evaluated: 2013-09-24. Review status: criteria provided, single submitter. Criteria: LMM Criteria. Collection method: clinical testing. Allele origin: germline. Observed: 1 variant allele.
Comment: Ala86Ala in exon 5 of TNNI3: This variant is not expected to have clinical signi ficance because it does not alter an amino acid residue and is not located withi n the splice consensus sequence. Ala86Ala in exon 5 of TNNI3 (allele frequency = n/a)

NM_000363.5(TNNI3):c.258C>T (p.Ala86=)

Gene: TNNI3 (troponin I3, cardiac type; minus strand). Cytogenetic location: 19q13.42.
Variant type: single nucleotide variant.
Coding change: c.258C>T on transcript NM_000363.5 (MANE Select); coding-DNA position 258, C replaced by T.
Protein change: p.Ala86=; no amino-acid change (alanine 86 retained).
Molecular consequence: synonymous variant.
Genome position (GRCh38, 1-based): chr19:55,156,225, G>A on the plus strand (C>T on the coding strand, the complement: TNNI3 is on the minus strand). VCF-style: chr19-55156225-G-A. GRCh37 (hg19) VCF-style: chr19-55667593-G-A.
Identifiers: ClinVar variation 165523 (VCV000165523.17), dbSNP rs727503508, ClinGen allele CA021431.